The following is an entry in ClinVar:

ClinVar aggregate classification (germline): Pathogenic/Likely pathogenic. Review status: criteria provided, multiple submitters, no conflicts (2 of 4 stars). 4 submissions from 4 submitters: Pathogenic (1); Likely pathogenic (2). 1 of the submissions does not count toward it. Last evaluated 2025-09-02.

Conditions:
Hereditary cancer-predisposing syndrome. Also called: Tumor predisposition; Hereditary neoplastic syndrome; Hereditary Cancer Syndrome; Neoplastic Syndromes, Hereditary. Identifiers: Orphanet 140162, MedGen C0027672, MeSH D009386, MONDO:0015356.
Hereditary breast ovarian cancer syndrome. Also called: Hereditary breast and/or ovarian cancer syndrome; Breast and ovarian cancer; Hereditary breast and ovarian cancer syndrome; Hereditary breast and ovarian cancer; Hereditary breast and ovarian cancer syndrome (HBOC); BRCA1- and BRCA2-Associated Hereditary Breast and Ovarian Cancer. Identifiers: Orphanet 145, MedGen C0677776, MeSH D061325, MONDO:0003582. Disease mechanism: loss of function.
Breast-ovarian cancer, familial, susceptibility to, 1 (BROVCA1). Also called: BRCA1 Hereditary Breast and Ovarian Cancer; OVARIAN CANCER, SUSCEPTIBILITY TO. Identifiers: Orphanet 145, MedGen C2676676, MONDO:0011450, OMIM 604370. Disease mechanism: loss of function.

Submissions (4):

Labcorp Genetics (formerly Invitae), Labcorp
Classification: Pathogenic for Hereditary breast ovarian cancer syndrome. Last evaluated: 2025-09-02. Review status: criteria provided, single submitter. Criteria: Invitae Variant Classification Sherloc (09022015). Collection method: clinical testing. Allele origin: germline.
Comment: This sequence change affects a donor splice site in intron 22 of the BRCA1 gene. RNA analysis indicates that disruption of this splice site induces altered splicing and likely disrupts the C-terminus of the protein. This variant is not present in population databases (gnomAD no frequency). Disruption of this splice site has been observed in individual(s) with clinical features of BRCA1-related conditions (PMID: 11428389, 19491284, 25428789). ClinVar contains an entry for this variant (Variation ID: 125852). Variants that disrupt the consensus splice site are a relatively common cause of aberrant splicing (PMID: 17576681, 9536098). Studies have shown that disruption of this splice site results in skipping of exon 22 and introduces a new termination codon (PMID: 11428389, 24667779). However the mRNA is not expected to undergo nonsense-mediated decay. This variant disrupts a region of the BRCA1 protein in which other variant(s) (p.Tyr1853*) have been determined to be pathogenic (PMID: 7894493, 20104584, 21922593, 24504028). This suggests that this is a clinically significant region of the protein, and that variants that disrupt it are likely to be disease-causing. For these reasons, this variant has been classified as Pathogenic.

Ambry Genetics
Classification: Likely pathogenic for Hereditary cancer-predisposing syndrome. Last evaluated: 2025-03-22. Review status: criteria provided, single submitter. Criteria: Ambry Variant Classification Scheme 2023. Collection method: clinical testing. Allele origin: germline.
Comment: The c.5467+2T>G intronic variant results from a T to G substitution two nucleotides after coding exon 21 in the BRCA1 gene. This nucleotide position is highly conserved in available vertebrate species. In silico splice site analysis predicts that this alteration will weaken the native splice donor site; however, direct evidence is insufficient at this time (Ambry internal data). Alterations that disrupt the canonical splice site are expected to cause aberrant splicing. This alteration occurs at the 3' terminus of the BRCA1 gene and is not expected to trigger nonsense-mediated mRNA decay, however, the region predicted to be impacted is critical for protein function (Ambry internal data). This variant is considered to be rare based on population cohorts in the Genome Aggregation Database (gnomAD). Based on the majority of available evidence to date, this variant is likely to be pathogenic.

National Health Laboratory Service, Universitas Academic Hospital and University of the Free State
Classification: Likely pathogenic for Hereditary breast ovarian cancer syndrome. Last evaluated: 2021-11-16. Review status: criteria provided, single submitter. Criteria: ACMG Guidelines, 2015. Collection method: clinical testing. Allele origin: germline. Affected: yes. Observed: 2 variant alleles.

Breast Cancer Information Core (BIC) (BRCA1)
Classification: Pathogenic for Breast-ovarian cancer, familial 1. Last evaluated: 1999-12-30. Review status: no assertion criteria provided. Collection method: clinical testing. Allele origin: germline. Affected: yes. Observed: 1 variant allele. Not counted in ClinVar's aggregate classification.

Literature cited by the submitters: PubMed 11428389 (cited by Labcorp Genetics (formerly Invitae), Labcorp); PubMed 19491284 (cited by Labcorp Genetics (formerly Invitae), Labcorp); PubMed 25428789 (cited by Labcorp Genetics (formerly Invitae), Labcorp); PubMed 17576681 (cited by Labcorp Genetics (formerly Invitae), Labcorp); PubMed 9536098 (cited by Labcorp Genetics (formerly Invitae), Labcorp); PubMed 24667779 (cited by Labcorp Genetics (formerly Invitae), Labcorp); PubMed 7894493 (cited by Labcorp Genetics (formerly Invitae), Labcorp); PubMed 20104584 (cited by Labcorp Genetics (formerly Invitae), Labcorp); PubMed 21922593 (cited by Labcorp Genetics (formerly Invitae), Labcorp); PubMed 24504028 (cited by Labcorp Genetics (formerly Invitae), Labcorp); DOI 10.3389/fgene.2022.834265 (cited by National Health Laboratory Service, Universitas Academic Hospital and University of the Free State).

NM_007294.4(BRCA1):c.5467+2T>G

Gene: BRCA1 (BRCA1 DNA repair associated; minus strand). Cytogenetic location: 17q21.31.
Variant type: single nucleotide variant.
Coding change: c.5467+2T>G on transcript NM_007294.4 (MANE Select); the canonical splice donor site of the intron after coding-DNA position 5467, T replaced by G.
Molecular consequence: splice donor variant.
Genome position (GRCh38, 1-based): chr17:43,047,641, A>C on the plus strand (T>G on the coding strand, the complement: BRCA1 is on the minus strand). VCF-style: chr17-43047641-A-C. GRCh37 (hg19) VCF-style: chr17-41199658-A-C.
Other names: IVS23+2T>G; c.5131+2T>G (NM_001407954.1, NM_001407952.1, NM_001407950.1 and 3 more transcripts); c.1891+2T>G (NM_001408504.1, NM_001408502.1, NM_001408503.1); c.2014+2T>G (NM_001408463.1, NM_001408462.1, NM_001408458.1 and 7 more transcripts); c.5320+2T>G (NM_001407847.1, NM_001407841.1, NM_001407848.1 and 12 more transcripts); c.5323+2T>G (NM_001407740.1, NM_001407739.1, NM_001407747.1 and 18 more transcripts); c.1894+2T>G (NM_001408499.1, NM_001408498.1, NM_001408501.1 and 3 more transcripts); c.5200+2T>G (NM_001407933.1, NM_001407927.1, NM_001407931.1 and 4 more transcripts); and 84 more.
Identifiers: ClinVar variation 125852 (VCV000125852.25), dbSNP rs80358009, ClinGen allele CA003612.